The following is an entry in ClinVar:

ClinVar aggregate classification (germline): Uncertain significance (1 of 4 stars; one submission).

Conditions:
Osteogenesis imperfecta type 8 (OI8). Identifiers: MedGen C1970458, MONDO:0012581, OMIM 610915.

Submission:

Labcorp Genetics (formerly Invitae), Labcorp
Classification: Uncertain significance for Osteogenesis imperfecta type 8. Last evaluated: 2024-10-22. Review status: criteria provided, single submitter. Criteria: Invitae Variant Classification Sherloc (09022015). Collection method: clinical testing. Allele origin: germline.
Comment: This sequence change replaces glycine, which is neutral and non-polar, with aspartic acid, which is acidic and polar, at codon 449 of the P3H1 protein (p.Gly449Asp). This variant is not present in population databases (gnomAD no frequency). This variant has not been reported in the literature in individuals affected with P3H1-related conditions. ClinVar contains an entry for this variant (Variation ID: 2043110). An algorithm developed to predict the effect of missense changes on protein structure and function (PolyPhen-2) suggests that this variant is likely to be tolerated. In summary, the available evidence is currently insufficient to determine the role of this variant in disease. Therefore, it has been classified as a Variant of Uncertain Significance.

NM_022356.4(P3H1):c.1346G>A (p.Gly449Asp)

Gene: P3H1 (prolyl 3-hydroxylase 1; minus strand). Cytogenetic location: 1p34.2.
Variant type: single nucleotide variant.
Coding change: c.1346G>A on transcript NM_022356.4 (MANE Select); coding-DNA position 1346, G replaced by A.
Protein change: p.Gly449Asp; replaces glycine 449 with aspartic acid.
Molecular consequence: missense variant.
Genome position (GRCh38, 1-based): chr1:42,752,664, C>T on the plus strand (G>A on the coding strand, the complement: P3H1 is on the minus strand). VCF-style: chr1-42752664-C-T. GRCh37 (hg19) VCF-style: chr1-43218335-C-T.
Other names: c.1346G>A, p.Gly449Asp (NM_001146289.2, NM_001243246.2); short protein forms G449D.
Identifiers: ClinVar variation 2043110 (VCV002043110.3), dbSNP rs2524439229, ClinGen allele CA339956610.